The following is an entry in ClinVar:

ClinVar aggregate classification (germline): Conflicting classifications of pathogenicity. Review status: criteria provided, conflicting classifications (1 of 4 stars). 8 submissions from 8 submitters: Pathogenic (1); Uncertain significance (2); Benign (1); Likely benign (3). 1 of the submissions does not count toward it. Last evaluated 2026-07-01.

Conditions:
Kabuki syndrome. Also called: NIIKAWA-KUROKI SYNDROME; Kabuki make-up syndrome. Identifiers: Orphanet 2322, MedGen C0796004, MONDO:0016512.
Kabuki syndrome 1 (KABUK1). Also called: KMT2D-Related Kabuki Syndrome. Identifiers: Orphanet 2322, MedGen CN030661, MONDO:0007843, OMIM 147920.

Allele frequency attached by ClinVar (database versions not stated): gnomAD 0.00007; ExAC 0.00008; gnomAD exomes 0.00009 and 0.00012; TOPMed 0.00009; ESP Exome Variant Server 0.00016.

Submissions (8):

CeGaT Center for Human Genetics Tuebingen
Classification: Likely benign. Last evaluated: 2026-07-01. Review status: criteria provided, single submitter. Criteria: CeGaT Center For Human Genetics Tuebingen Variant Classification Criteria Version 2. Collection method: clinical testing. Allele origin: germline. Affected: yes. Observed: 1 variant allele.
Comment: KMT2D: BS2

Labcorp Genetics (formerly Invitae), Labcorp
Classification: Likely benign for Kabuki syndrome. Last evaluated: 2026-01-27. Review status: criteria provided, single submitter. Criteria: Invitae Variant Classification Sherloc (09022015). Collection method: clinical testing. Allele origin: germline.

Blueprint Genetics
Classification: Likely benign. Last evaluated: 2024-10-23. Review status: criteria provided, single submitter. Criteria: ACMG Guidelines, 2015. Collection method: clinical testing. Allele origin: germline.

Laboratory of Prof. Karen Avraham, Tel Aviv University
Classification: Pathogenic for Kabuki syndrome 1. Last evaluated: 2024-05-28. Review status: criteria provided, single submitter. Criteria: ACMG Guidelines, 2015. Collection method: research. Allele origin: germline. Affected: yes. Observed: 1 variant allele.
Comment: Pathogenic by Deafness Variation database.

KABUK1; autosomal dominant; high-tone normal-severe HL

GeneDx
Classification: Benign. Last evaluated: 2020-02-03. Review status: criteria provided, single submitter. Criteria: GeneDx Variant Classification Process June 2021. Collection method: clinical testing. Allele origin: germline. Affected: yes.
Comment: This variant is associated with the following publications: (PMID: 30107592, 24728327, 30459467, 24633898)

Eurofins Ntd Llc (ga)
Classification: Uncertain significance. Last evaluated: 2016-09-05. Review status: criteria provided, single submitter. Criteria: EGL Classification Definitions 2015. Collection method: clinical testing. Allele origin: germline. Observed: 1 variant allele, 1 heterozygote.

Genetic Services Laboratory, University of Chicago
Classification: Uncertain significance. Last evaluated: 2016-08-11. Review status: criteria provided, single submitter. Criteria: ACMG Guidelines, 2015. Collection method: clinical testing. Allele origin: germline. Affected: no.

ITMI
No classification provided. Condition: AllHighlyPenetrant. Last evaluated: 2013-09-19. Review status: no classification provided. Collection method: reference population. Allele origin: germline. Not counted in ClinVar's aggregate classification.
Comment: Please see associated publication for description of ethnicities

Literature cited by the submitters: PubMed 24728327 (cited by ITMI).

NM_003482.4(KMT2D):c.10966C>T (p.Arg3656Cys)

Gene: KMT2D (lysine methyltransferase 2D; minus strand). Cytogenetic location: 12q13.12.
Variant type: single nucleotide variant.
Coding change: c.10966C>T on transcript NM_003482.4 (MANE Select); coding-DNA position 10966, C replaced by T.
Protein change: p.Arg3656Cys; replaces arginine 3656 with cysteine.
Molecular consequence: missense variant.
Genome position (GRCh38, 1-based): chr12:49,033,739, G>A on the plus strand (C>T on the coding strand, the complement: KMT2D is on the minus strand). VCF-style: chr12-49033739-G-A. GRCh37 (hg19) VCF-style: chr12-49427522-G-A.
Other names: short protein forms R3656C.
Identifiers: ClinVar variation 134710 (VCV000134710.25), dbSNP rs201283589, ClinGen allele CA160589.